The following is an entry in ClinVar:

ClinVar aggregate classification (germline): Uncertain significance (1 of 4 stars; one submission).

Submission:

Labcorp Genetics (formerly Invitae), Labcorp
Classification: Uncertain significance. Last evaluated: 2022-05-12. Review status: criteria provided, single submitter. Criteria: Invitae Variant Classification Sherloc (09022015). Collection method: clinical testing. Allele origin: germline.
Comment: In summary, the available evidence is currently insufficient to determine the role of this variant in disease. Therefore, it has been classified as a Variant of Uncertain Significance. Algorithms developed to predict the effect of missense changes on protein structure and function are either unavailable or do not agree on the potential impact of this missense change (SIFT: "Not Available"; PolyPhen-2: "Benign"; Align-GVGD: "Not Available"). This variant has not been reported in the literature in individuals affected with MYO18B-related conditions. This variant is present in population databases (no rsID available, gnomAD 0.08%). This sequence change replaces glutamic acid, which is acidic and polar, with leucine, which is neutral and non-polar, at codon 2479 of the MYO18B protein (p.Glu2479Leu).

NM_032608.7(MYO18B):c.7435_7436delinsTT (p.Glu2479Leu)

Gene: MYO18B (myosin XVIIIB; plus strand). Cytogenetic location: 22q12.1.
Variant type: Indel.
Coding change: c.7435_7436delinsTT on transcript NM_032608.7 (MANE Select); coding-DNA positions 7435 to 7436, GA replaced by TT.
Protein change: p.Glu2479Leu; replaces glutamic acid 2479 with leucine.
Molecular consequence: missense variant.
Genome position (GRCh38, 1-based): chr22:26,027,409-26,027,410, GA replaced by TT. VCF-style: chr22-26027409-GA-TT. GRCh37 (hg19) VCF-style: chr22-26423375-GA-TT.
Other names: c.7438_7439delinsTT, p.Glu2480Leu (NM_001318245.2); short protein forms E2479L, E2480L.
Identifiers: ClinVar variation 1943887 (VCV001943887.5), dbSNP rs2518437588, ClinGen allele CA2580099308.
Genomic context (GRCh38, chr22:26,027,409, plus strand): 5'-GGATCAGCCAAAGGTGGGCAAGACGGTTCACAGCGTTCAAGCATCCACTTTGAAACGGAA[GA>TT]GGCTAACCGTTCCTTTCTCTCGGGGATCAAGACCATTTTGAAGAAGAGCCCGGAGCCCAA-3'
Protein context (NP_115997.5, residues 2469-2489): QRSSIHFETE[Glu2479Leu]ANRSFLSGIK